The following is an entry in ClinVar:

ClinVar aggregate classification (germline): Uncertain significance. Review status: criteria provided, multiple submitters, no conflicts (2 of 4 stars). 6 submissions from 6 submitters: Uncertain significance (6). Last evaluated 2026-01-29.

Conditions:
Marfan syndrome (MFS). Also called: MARFAN SYNDROME, TYPE I; FBN1-Related Marfan Syndrome; Marfan syndrome, classic; Marfan syndrome type 1; Marfan's syndrome. Identifiers: Orphanet 284963, Orphanet 558, MedGen C0024796, MONDO:0007947, OMIM 154700.
Familial thoracic aortic aneurysm and aortic dissection (TAAD). Also called: Thoracic aortic aneurysms and dissections. Identifiers: Orphanet 91387, MedGen C4707243, MONDO:0019625.

Submissions (6):

Labcorp Genetics (formerly Invitae), Labcorp
Classification: Uncertain significance for Marfan syndrome; Familial thoracic aortic aneurysm and aortic dissection. Last evaluated: 2026-01-29. Review status: criteria provided, single submitter. Criteria: Invitae Variant Classification Sherloc (09022015). Collection method: clinical testing. Allele origin: germline.
Comment: This sequence change replaces tyrosine, which is neutral and polar, with serine, which is neutral and polar, at codon 2827 of the FBN1 protein (p.Tyr2827Ser). This variant is not present in population databases (gnomAD no frequency). This variant has not been reported in the literature in individuals affected with FBN1-related conditions. ClinVar contains an entry for this variant (Variation ID: 200135). Invitae Evidence Modeling of protein sequence and biophysical properties (such as structural, functional, and spatial information, amino acid conservation, physicochemical variation, residue mobility, and thermodynamic stability) indicates that this missense variant is expected to disrupt FBN1 protein function with a positive predictive value of 95%. In summary, the available evidence is currently insufficient to determine the role of this variant in disease. Therefore, it has been classified as a Variant of Uncertain Significance.

Ambry Genetics
Classification: Uncertain significance for Familial thoracic aortic aneurysm and aortic dissection. Last evaluated: 2025-10-23. Review status: criteria provided, single submitter. Criteria: Ambry Variant Classification Scheme 2023. Collection method: clinical testing. Allele origin: germline.
Comment: The p.Y2827S variant (also known as c.8480A>C), located in coding exon 65 of the FBN1 gene, results from an A to C substitution at nucleotide position 8480. The tyrosine at codon 2827 is replaced by serine, an amino acid with dissimilar properties. This amino acid position is highly conserved in available vertebrate species. In addition, this alteration is predicted to be deleterious by in silico analysis. Since supporting evidence is limited at this time, the clinical significance of this alteration remains unclear.

GeneDx
Classification: Uncertain significance. Last evaluated: 2024-10-02. Review status: criteria provided, single submitter. Criteria: GeneDx Variant Classification Process June 2021. Collection method: clinical testing. Allele origin: germline. Affected: yes.
Comment: Not observed at significant frequency in large population cohorts (gnomAD); In silico analysis supports that this missense variant has a deleterious effect on protein structure/function; Has not been previously published as pathogenic or benign to our knowledge

AiLife Diagnostics
Classification: Uncertain significance. Last evaluated: 2022-01-06. Review status: criteria provided, single submitter. Criteria: ACMG Guidelines, 2015. Collection method: clinical testing. Allele origin: germline. Affected: yes. Observed: 1 variant allele.

Women's Health and Genetics/Laboratory Corporation of America, LabCorp
Classification: Uncertain significance. Last evaluated: 2021-11-29. Review status: criteria provided, single submitter. Criteria: LabCorp Variant Classification Summary - May 2015. Collection method: clinical testing. Allele origin: germline.
Comment: Variant summary: FBN1 c.8480A>C (p.Tyr2827Ser) results in a non-conservative amino acid change in the encoded protein sequence. Five of five in-silico tools predict a damaging effect of the variant on protein function. The variant was absent in 251398 control chromosomes, however the available data on variant occurrences in the general population are insufficient to allow any conclusion about variant significance. To our knowledge, no occurrence of c.8480A>C in individuals affected with Marfan Syndrome and no experimental evidence demonstrating its impact on protein function have been reported. Three ClinVar submitters provided clinical-significance assessments for this variant after 2014, all classified the variant as uncertain significance. Based on the evidence outlined above, the variant was classified as uncertain significance.

ARUP Laboratories, Molecular Genetics and Genomics, ARUP Laboratories
Classification: Uncertain significance. Last evaluated: 2019-02-28. Review status: criteria provided, single submitter. Criteria: ARUP Molecular Germline Variant Investigation Process. Collection method: clinical testing. Allele origin: germline.
Comment: The FBN1 c.8480A>C; p.Tyr2827Ser variant (rs794728287), to our knowledge, is not reported in the medical literature but is reported as uncertain significance in ClinVar (Variation ID: 200135). This variant is absent from general population databases (Exome Variant Server, Genome Aggregation Database), indicating it is not a common polymorphism. The tyrosine at codon 2827 is moderately conserved, and computational analyses (SIFT, PolyPhen-2) predict that this variant may be deleterious. However, given the lack of clinical and functional data, the significance of this variant is uncertain at this time.

NM_000138.5(FBN1):c.8480A>C (p.Tyr2827Ser)

Gene: FBN1 (fibrillin 1; minus strand). Cytogenetic location: 15q21.1.
Variant type: single nucleotide variant.
Coding change: c.8480A>C on transcript NM_000138.5 (MANE Select); coding-DNA position 8480, A replaced by C.
Protein change: p.Tyr2827Ser; replaces tyrosine 2827 with serine.
Molecular consequence: missense variant.
Genome position (GRCh38, 1-based): chr15:48,411,126, T>G on the plus strand (A>C on the coding strand, the complement: FBN1 is on the minus strand). VCF-style: chr15-48411126-T-G. GRCh37 (hg19) VCF-style: chr15-48703323-T-G.
Other names: p.Y2827S:TAT>TCT; short protein forms Y2827S.
Identifiers: ClinVar variation 200135 (VCV000200135.25), dbSNP rs794728287, ClinGen allele CA017777.
Genomic context (GRCh38, chr15:48,411,126, plus strand): 5'-TCTTCTAGTTGGTTAAGTTCTTTCTTTTTATAAAGTGGAGTACTACTGATTTGTAATGAA[T>G]AGGTTCCAGCCACTGGCTTCTTCTTTGTGAAGTGGAGGTAGCTGATCCCTTCCTTTTGGT-3'
Protein context (NP_000129.3, residues 2817-2837): FTKKKPVAGT[Tyr2827Ser]SLQISSTPLY